The following is an entry in ClinVar:

ClinVar aggregate classification (germline): Uncertain significance. Review status: criteria provided, multiple submitters, no conflicts (2 of 4 stars). 2 submissions from 2 submitters: Uncertain significance (2). Last evaluated 2025-10-13.

Conditions:
Hereditary cancer-predisposing syndrome. Also called: Hereditary Cancer Syndrome; Hereditary neoplastic syndrome; Neoplastic Syndromes, Hereditary; Tumor predisposition. Identifiers: Orphanet 140162, MedGen C0027672, MeSH D009386, MONDO:0015356.
Ataxia-telangiectasia syndrome (AT). Also called: Cerebello-oculocutaneous telangiectasia; Immunodeficiency with ataxia telangiectasia; AT, COMPLEMENTATION GROUP C; Ataxia-telangiectasia; Ataxia-telangiectasia, complementation group E; Ataxia telangiectasia (A-T). Identifiers: Orphanet 100, MedGen C0004135, MONDO:0008840, OMIM 208900.

Submissions (2):

Labcorp Genetics (formerly Invitae), Labcorp
Classification: Uncertain significance for Ataxia-telangiectasia syndrome. Last evaluated: 2025-10-13. Review status: criteria provided, single submitter. Criteria: Invitae Variant Classification Sherloc (09022015). Collection method: clinical testing. Allele origin: germline.
Comment: This sequence change replaces tyrosine, which is neutral and polar, with phenylalanine, which is neutral and non-polar, at codon 1556 of the ATM protein (p.Tyr1556Phe). This variant is not present in population databases (gnomAD no frequency). This variant has not been reported in the literature in individuals affected with ATM-related conditions. ClinVar contains an entry for this variant (Variation ID: 2078513). Invitae Evidence Modeling of protein sequence and biophysical properties (such as structural, functional, and spatial information, amino acid conservation, physicochemical variation, residue mobility, and thermodynamic stability) indicates that this missense variant is not expected to disrupt ATM protein function with a negative predictive value of 95%. In summary, the available evidence is currently insufficient to determine the role of this variant in disease. Therefore, it has been classified as a Variant of Uncertain Significance.

Ambry Genetics
Classification: Uncertain significance for Hereditary cancer-predisposing syndrome. Last evaluated: 2025-08-19. Review status: criteria provided, single submitter. Criteria: Ambry Variant Classification Scheme 2023. Collection method: clinical testing. Allele origin: germline.
Comment: The p.Y1556F variant (also known as c.4667A>T), located in coding exon 30 of the ATM gene, results from an A to T substitution at nucleotide position 4667. The tyrosine at codon 1556 is replaced by phenylalanine, an amino acid with highly similar properties. This amino acid position is conserved. In addition, this alteration is predicted to be tolerated by in silico analysis. Based on the available evidence, the clinical significance of this variant remains unclear.

NM_000051.4(ATM):c.4667A>T (p.Tyr1556Phe)

Gene: ATM (ATM serine/threonine kinase; plus strand). Cytogenetic location: 11q22.3.
Variant type: single nucleotide variant.
Coding change: c.4667A>T on transcript NM_000051.4 (MANE Select); coding-DNA position 4667, A replaced by T.
Protein change: p.Tyr1556Phe; replaces tyrosine 1556 with phenylalanine.
Molecular consequence: missense variant.
Genome position (GRCh38, 1-based): chr11:108,293,368, A>T. VCF-style: chr11-108293368-A-T. GRCh37 (hg19) VCF-style: chr11-108164095-A-T.
Other names: c.4667A>T, p.Tyr1556Phe (NM_001351834.2); short protein forms Y1556F.
Identifiers: ClinVar variation 2078513 (VCV002078513.5), dbSNP rs587782037, ClinGen allele CA382534687.
Genomic context (GRCh38, chr11:108,293,368, plus strand): 5'-TTTAGGTATTGGACTTGTTGAAATACTTAGTGATAGATAACAAGGATAATGAAAACCTCT[A>T]TATCACGATTAAGCTTTTAGATCCTTTTCCTGACCATGTTGTTTTTAAGGATTTGCGTAT-3'
Protein context (NP_000042.3, residues 1546-1566): VIDNKDNENL[Tyr1556Phe]ITIKLLDPFP